The following is an entry in ClinVar:

ClinVar aggregate classification (germline): Uncertain significance (1 of 4 stars; one submission).

Conditions:
Left ventricular noncompaction 10 (LVNC10). Identifiers: Orphanet 154, Orphanet 54260, MedGen C3715165, MONDO:0014163, OMIM 615396.

Submission:

Neuberg Centre For Genomic Medicine, NCGM
Classification: Uncertain significance for Left ventricular noncompaction 10. Review status: criteria provided, single submitter. Criteria: ACMG Guidelines, 2015. Collection method: clinical testing. Allele origin: germline. Inheritance: Autosomal dominant inheritance. Affected: yes.
Comment: The missense variant in c.2994G>T in MYBPC3 gene has not been reported previously as a pathogenic variant nor as a benign variant, to our knowledge. The p.Gln998His variant is novel (not in any individuals) in gnomAD Exomes and 1000 Genomes. The amino acid change p.Gln998His in MYBPC3 is predicted as conserved by GERP++ and PhyloP across 100 vertebrates. The amino acid Gln at position 998 is changed to a His changing protein sequence and it might alter its composition and physico-chemical properties. For these reasons, this variant has been classified as Uncertain Significance (VUS).

NM_000256.3(MYBPC3):c.2994G>T (p.Gln998His)

Gene: MYBPC3 (myosin binding protein C3; minus strand). Cytogenetic location: 11p11.2.
Variant type: single nucleotide variant.
Coding change: c.2994G>T on transcript NM_000256.3 (MANE Select); coding-DNA position 2994, G replaced by T.
Protein change: p.Gln998His; replaces glutamine 998 with histidine.
Molecular consequence: missense variant.
Genome position (GRCh38, 1-based): chr11:47,333,922, C>A on the plus strand (G>T on the coding strand, the complement: MYBPC3 is on the minus strand). VCF-style: chr11-47333922-C-A. GRCh37 (hg19) VCF-style: chr11-47355473-C-A.
Other names: short protein forms Q998H.
Identifiers: ClinVar variation 2627980 (VCV002627980.1), dbSNP rs1555120639, ClinGen allele CA380315749.